The following is an entry in ClinVar:

NM_001042492.3(NF1):c.5073G>C (p.Lys1691Asn)

Gene: NF1 (neurofibromin 1; plus strand). Cytogenetic location: 17q11.2.
Variant type: single nucleotide variant.
Coding change: c.5073G>C on transcript NM_001042492.3 (MANE Select); coding-DNA position 5073, G replaced by C.
Protein change: p.Lys1691Asn; replaces lysine 1691 with asparagine.
Molecular consequence: missense variant.
Genome position (GRCh38, 1-based): chr17:31,326,057, G>C. VCF-style: chr17-31326057-G-C. GRCh37 (hg19) VCF-style: chr17-29653075-G-C.
Other names: c.5010G>C, p.Lys1670Asn (NM_000267.4); short protein forms K1670N, K1691N.
Identifiers: ClinVar variation 854417 (VCV000854417.8), dbSNP rs1597829953, ClinGen allele CA399007452.
Genomic context (GRCh38, chr17:31,326,057, plus strand): 5'-CGACAACGTCTCCGCAGTCTATATCTATAACTGTAACTCCTGGGTCAGGGAGTACACCAA[G>C]TATCATGAGCGGCTGCTGACTGGCCTCAAAGGTAGCAAAAGGCTTGTTTTCATAGACTGT-3'
Protein context (NP_001035957.1, residues 1681-1701): NCNSWVREYT[Lys1691Asn]YHERLLTGLK

ClinVar aggregate classification (germline): Uncertain significance. Review status: criteria provided, multiple submitters, no conflicts (2 of 4 stars). 3 submissions from 3 submitters: Uncertain significance (3). Last evaluated 2023-08-13.

Conditions:
Neurofibromatosis, type 1 (NF1). Also called: NEUROFIBROMATOSIS, TYPE I, SOMATIC; Neurofibromatosis, type I; VON RECKLINGHAUSEN DISEASE; Peripheral type neurofibromatosis. Identifiers: Orphanet 636, MedGen C0027831, MONDO:0018975, OMIM 162200. Disease mechanism: loss of function.
Hereditary cancer-predisposing syndrome. Also called: Neoplastic Syndromes, Hereditary; Tumor predisposition; Hereditary Cancer Syndrome; Hereditary neoplastic syndrome. Identifiers: Orphanet 140162, MedGen C0027672, MeSH D009386, MONDO:0015356.
Cardiovascular phenotype. Identifiers: MedGen CN230736.

Submissions (3):

Ambry Genetics
Classification: Uncertain significance for Cardiovascular phenotype; Hereditary cancer-predisposing syndrome. Last evaluated: 2023-08-13. Review status: criteria provided, single submitter. Criteria: Ambry Variant Classification Scheme 2023. Collection method: clinical testing. Allele origin: germline.
Comment: The p.K1670N variant (also known as c.5010G>C), located in coding exon 36 of the NF1 gene, results from a G to C substitution at nucleotide position 5010. The lysine at codon 1670 is replaced by asparagine, an amino acid with similar properties. This amino acid position is conserved. In addition, this alteration is predicted to be tolerated by in silico analysis. Since supporting evidence is limited at this time, the clinical significance of this alteration remains unclear.

Blueprint Genetics
Classification: Uncertain significance. Last evaluated: 2023-06-28. Review status: criteria provided, single submitter. Criteria: ACMG Guidelines, 2015. Collection method: clinical testing. Allele origin: germline.

Labcorp Genetics (formerly Invitae), Labcorp
Classification: Uncertain significance for Neurofibromatosis, type 1. Last evaluated: 2021-06-10. Review status: criteria provided, single submitter. Criteria: Invitae Variant Classification Sherloc (09022015). Collection method: clinical testing. Allele origin: germline.
Comment: In summary, the available evidence is currently insufficient to determine the role of this variant in disease. Therefore, it has been classified as a Variant of Uncertain Significance. Algorithms developed to predict the effect of missense changes on protein structure and function are either unavailable or do not agree on the potential impact of this missense change (SIFT: "Tolerated"; PolyPhen-2: "Probably Damaging"; Align-GVGD: "Class C0"). This variant has not been reported in the literature in individuals with NF1-related conditions. This variant is not present in population databases (ExAC no frequency). This sequence change replaces lysine with asparagine at codon 1670 of the NF1 protein (p.Lys1670Asn). The lysine residue is moderately conserved and there is a moderate physicochemical difference between lysine and asparagine.